The following is an entry in ClinVar:

ClinVar aggregate classification (germline): Pathogenic (1 of 4 stars; one submission).

Conditions:
Hereditary breast ovarian cancer syndrome. Also called: Hereditary breast and ovarian cancer; Hereditary breast and ovarian cancer syndrome; Breast and ovarian cancer; BRCA1- and BRCA2-Associated Hereditary Breast and Ovarian Cancer; Hereditary breast and/or ovarian cancer syndrome; Hereditary breast and ovarian cancer syndrome (HBOC). Identifiers: Orphanet 145, MedGen C0677776, MeSH D061325, MONDO:0003582. Disease mechanism: loss of function.

Submission:

Labcorp Genetics (formerly Invitae), Labcorp
Classification: Pathogenic for Hereditary breast ovarian cancer syndrome. Last evaluated: 2022-03-02. Review status: criteria provided, single submitter. Criteria: Invitae Variant Classification Sherloc (09022015). Collection method: clinical testing. Allele origin: germline.
Comment: For these reasons, this variant has been classified as Pathogenic. This variant has not been reported in the literature in individuals affected with BRCA1-related conditions. This variant is not present in population databases (gnomAD no frequency). This sequence change creates a premature translational stop signal (p.Gly1710Serfs*2) in the BRCA1 gene. It is expected to result in an absent or disrupted protein product. Loss-of-function variants in BRCA1 are known to be pathogenic (PMID: 20104584).

Literature cited by the submitters: PubMed 20104584.

NM_007294.4(BRCA1):c.5127_5137del (p.Gly1710fs)

Gene: BRCA1 (BRCA1 DNA repair associated; minus strand). Cytogenetic location: 17q21.31.
Variant type: Deletion.
Coding change: c.5127_5137del on transcript NM_007294.4 (MANE Select); coding-DNA positions 5127 to 5137, 11 bases deleted (AGGAAAATGGG).
Protein change: p.Gly1710fs; shifts the reading frame from glycine 1710.
Molecular consequence: frameshift variant. On other transcripts: non-coding transcript variant (1).
Genome position (GRCh38, 1-based): chr17:43,063,889-43,063,899, CCCATTTTCCT deleted on the plus strand (AGGAAAATGGG on the coding strand, the reverse complement: BRCA1 is on the minus strand); deleting any 11 consecutive bases within chr17:43,063,889-43,063,902 gives the same sequence; the c. name uses the placement nearest the transcript's 3' end. VCF-style (leftmost placement, unchanged base first): chr17-43063888-ACCCATTTTCCT-A. GRCh37 (hg19) VCF-style: chr17-41215905-ACCCATTTTCCT-A.
Other names: c.1815_1825delGGGAGGAAAAT, p.Gly607Serfs (NM_001407978.1, NM_001407973.1, NM_001407974.1 and 3 more transcripts); c.1812_1822delGGGAGGAAAAT, p.Gly606Serfs (NM_001407979.1, NM_001407980.1, NM_001407981.1 and 12 more transcripts); c.1809_1819delGGGAGGAAAAT, p.Gly605Serfs (NM_001408392.1, NM_001408396.1, NM_001408397.1 and 8 more transcripts); c.1806_1816delGGGAGGAAAAT, p.Gly604Serfs (NM_001408406.1, NM_001408407.1, NM_001408408.1); c.1803_1813delGGGAGGAAAAT, p.Gly603Serfs (NM_001408409.1); c.1740_1750delGGGAGGAAAAT, p.Gly582Serfs (NM_001408410.1); c.1737_1747delGGGAGGAAAAT, p.Gly581Serfs (NM_001408411.1); c.1734_1744delGGGAGGAAAAT, p.Gly580Serfs (NM_001408412.1, NM_001408413.1, NM_001408414.1 and 2 more transcripts); and 74 more; short protein forms G1710fs, G1731fs, G1663fs, G606fs.
Identifiers: ClinVar variation 2105679 (VCV002105679.4), dbSNP rs2549499057, ClinGen allele CA2580093949.